The following is an entry in ClinVar:

NM_198428.3(BBS9):c.1645A>G (p.Thr549Ala)

Gene: BBS9 (Bardet-Biedl syndrome 9; plus strand). Cytogenetic location: 7p14.3.
Variant type: single nucleotide variant.
Coding change: c.1645A>G on transcript NM_198428.3 (MANE Select); coding-DNA position 1645, A replaced by G.
Protein change: p.Thr549Ala; replaces threonine 549 with alanine.
Molecular consequence: missense variant. On other transcripts: non-coding transcript variant (3).
Genome position (GRCh38, 1-based): chr7:33,357,947, A>G. VCF-style: chr7-33357947-A-G. GRCh37 (hg19) VCF-style: chr7-33397559-A-G.
Other names: c.1540A>G, p.Thr514Ala (NM_001033604.2); c.1630A>G, p.Thr544Ala (NM_001033605.2); c.1645A>G, p.Thr549Ala (NM_001348036.1, NM_001348041.4, NM_001348043.3 and 1 more transcripts); c.1279A>G, p.Thr427Ala (NM_001348037.3, NM_001348045.3, NM_001348046.3); c.1372A>G, p.Thr458Ala (NM_001348038.3); c.1267A>G, p.Thr423Ala (NM_001348039.3); c.1525A>G, p.Thr509Ala (NM_001348040.3, NM_014451.4); c.1510A>G, p.Thr504Ala (NM_001348042.3); and 1 more; short protein forms T427A, T514A, T509A, T423A, T392A, T458A, T504A, T544A.
Identifiers: ClinVar variation 873508 (VCV000873508.8), dbSNP rs1310602174, ClinGen allele CA367252223.

ClinVar aggregate classification (germline): Uncertain significance. Review status: criteria provided, multiple submitters, no conflicts (2 of 4 stars). 2 submissions from 2 submitters: Uncertain significance (2). Last evaluated 2025-06-12.

Conditions:
Bardet-Biedl syndrome (BBS). Identifiers: Orphanet 110, MedGen C0752166, MONDO:0015229.
Bardet-Biedl syndrome 9 (BBS9). Identifiers: Orphanet 110, MedGen C1859567, MONDO:0014437, OMIM 615986.

Allele frequency attached by ClinVar (database versions not stated): gnomAD exomes below 0.00001; gnomAD 0.00001; TOPMed 0.00001.
gnomAD v4.1: 14 of 1,612,586 alleles (0.00087%); highest among the groups gnomAD compares: African/African-American, 0.0013%; no homozygotes.

Submissions (2):

Labcorp Genetics (formerly Invitae), Labcorp
Classification: Uncertain significance for Bardet-Biedl syndrome. Last evaluated: 2025-06-12. Review status: criteria provided, single submitter. Criteria: Invitae Variant Classification Sherloc (09022015). Collection method: clinical testing. Allele origin: germline.
Comment: This sequence change replaces threonine, which is neutral and polar, with alanine, which is neutral and non-polar, at codon 549 of the BBS9 protein (p.Thr549Ala). This variant is present in population databases (no rsID available, gnomAD 0.002%). This variant has not been reported in the literature in individuals affected with BBS9-related conditions. ClinVar contains an entry for this variant (Variation ID: 873508). Invitae Evidence Modeling of protein sequence and biophysical properties (such as structural, functional, and spatial information, amino acid conservation, physicochemical variation, residue mobility, and thermodynamic stability) indicates that this missense variant is expected to disrupt BBS9 protein function with a positive predictive value of 80%. In summary, the available evidence is currently insufficient to determine the role of this variant in disease. Therefore, it has been classified as a Variant of Uncertain Significance.

Illumina Laboratory Services, Illumina
Classification: Uncertain significance for Bardet-Biedl syndrome 9. Last evaluated: 2020-01-22. Review status: criteria provided, single submitter. Criteria: ICSLVariantClassificationCriteria RUGD 01 April 2020. Collection method: clinical testing. Allele origin: unknown.
Comment: The BBS9 c.1645A>G (p.Thr549Ala) variant is a missense variant. A literature search was performed for the gene, cDNA change, and amino acid change. No publications were found based on this search. This variant is reported at a frequency of 0.000015 in the European (non-Finnish) population of the Genome Aggregation Database but this is based on only two alleles. Based on the limited evidence, the p.Thr549Ala variant is classified as a variant of unknown significance for Bardet-Biedl syndrome.